The following is an entry in ClinVar:

ClinVar aggregate classification (germline): Uncertain significance (1 of 4 stars; one submission).

gnomAD v4.1: 1 of 1,168,454 alleles (0.000086%); highest among the groups gnomAD compares: Non-Finnish European, 0.00012%; no homozygotes.

Submission:

GeneDx
Classification: Uncertain significance. Last evaluated: 2024-02-23. Review status: criteria provided, single submitter. Criteria: GeneDx Variant Classification Process June 2021. Collection method: clinical testing. Allele origin: germline. Affected: yes.
Comment: Not observed at significant frequency in large population cohorts (gnomAD); In silico analysis supports that this missense variant does not alter protein structure/function; Has not been previously published as pathogenic or benign to our knowledge; Variants in candidate genes are classified as variants of uncertain significance in accordance with ACMG guidelines (PMID: 25741868)

NM_002063.4(GLRA2):c.56C>G (p.Thr19Arg)

Gene: GLRA2 (glycine receptor alpha 2; plus strand). Cytogenetic location: Xp22.2.
Variant type: single nucleotide variant.
Coding change: c.56C>G on transcript NM_002063.4 (MANE Select); coding-DNA position 56, C replaced by G.
Protein change: p.Thr19Arg; replaces threonine 19 with arginine.
Molecular consequence: missense variant. On other transcripts: 5 prime UTR variant (1).
Genome position (GRCh38, 1-based): chrX:14,530,113, C>G. VCF-style: chrX-14530113-C-G. GRCh37 (hg19) VCF-style: chrX-14548235-C-G.
Other names: c.56C>G, p.Thr19Arg (NM_001118885.2, NM_001118886.2); c.-379C>G (NM_001171942.2); short protein forms T19R.
Identifiers: ClinVar variation 3766173 (VCV003766173.1).
Genomic context (GRCh38, chrX:14,530,113, plus strand): 5'-CAGGAATGAACCGGCAGCTAGTGAACATTTTGACAGCCTTGTTTGCATTTTTCTTAGAGA[C>G]AAACCACTTCAGGTAGGTGAAACGACTTTGCATGTTGATATTTAAATTGTTTAAAAGAGA-3'
Protein context (NP_002054.1, residues 9-29): LTALFAFFLE[Thr19Arg]NHFRTAFCKD